The following is an entry in ClinVar:

ClinVar aggregate classification (germline): Likely benign (1 of 4 stars; one submission).

Submission:

GeneDx
Classification: Likely benign. Last evaluated: 2017-12-14. Review status: criteria provided, single submitter. Criteria: GeneDx Variant Classification (06012015). Collection method: clinical testing. Allele origin: germline. Affected: yes.
Comment: This variant is considered likely benign or benign based on one or more of the following criteria: it is a conservative change, it occurs at a poorly conserved position in the protein, it is predicted to be benign by multiple in silico algorithms, and/or has population frequency not consistent with disease.

NM_002474.3(MYH11):c.-33C>G

Gene: MYH11 (myosin heavy chain 11; minus strand). Cytogenetic location: 16p13.11.
Variant type: single nucleotide variant.
Coding change: c.-33C>G on transcript NM_002474.3 (MANE Select); 33 bases upstream of the start codon, C replaced by G.
Molecular consequence: 5 prime UTR variant.
Genome position (GRCh38, 1-based): chr16:15,856,956, G>C on the plus strand (C>G on the coding strand, the complement: MYH11 is on the minus strand). VCF-style: chr16-15856956-G-C. GRCh37 (hg19) VCF-style: chr16-15950813-G-C.
Other names: c.-33C>G (NM_001040113.2, NM_001040114.2, NM_022844.3).
Identifiers: ClinVar variation 514085 (VCV000514085.1), dbSNP rs969244628, ClinGen allele CA658798557.